The following is an entry in ClinVar:

ClinVar aggregate classification (germline): Uncertain significance (1 of 4 stars; one submission).

Conditions:
Cardiovascular phenotype. Identifiers: MedGen CN230736.

Submission:

Ambry Genetics
Classification: Uncertain significance for Cardiovascular phenotype. Last evaluated: 2021-06-25. Review status: criteria provided, single submitter. Criteria: Ambry Variant Classification Scheme 2023. Collection method: clinical testing. Allele origin: germline.
Comment: The p.N333D variant (also known as c.997A>G), located in coding exon 7 of the TBX20 gene, results from an A to G substitution at nucleotide position 997. The asparagine at codon 333 is replaced by aspartic acid, an amino acid with highly similar properties. This amino acid position is conserved. In addition, this alteration is predicted to be tolerated by in silico analysis. Since supporting evidence is limited at this time, the clinical significance of this alteration remains unclear.

NM_001077653.2(TBX20):c.997A>G (p.Asn333Asp)

Gene: TBX20 (T-box transcription factor 20; minus strand). Cytogenetic location: 7p14.2.
Variant type: single nucleotide variant.
Coding change: c.997A>G on transcript NM_001077653.2 (MANE Select); coding-DNA position 997, A replaced by G.
Protein change: p.Asn333Asp; replaces asparagine 333 with aspartic acid.
Molecular consequence: missense variant.
Genome position (GRCh38, 1-based): chr7:35,204,476, T>C on the plus strand (A>G on the coding strand, the complement: TBX20 is on the minus strand). VCF-style: chr7-35204476-T-C. GRCh37 (hg19) VCF-style: chr7-35244088-T-C.
Other names: short protein forms N333D.
Identifiers: ClinVar variation 1768788 (VCV001768788.2), dbSNP rs750427804, ClinGen allele CA367263443.
Genomic context (GRCh38, chr7:35,204,476, plus strand): 5'-CTCCTTTAGGTGCTCTGCCTCCCAGCAATTCCATGGCCTTGGAAACTACCTTACCTCGAT[T>C]TGGGGTTGTCTGACTCTCATCCCCCAAGACATCTTCTTCTCCTCCGTAGGTACGGATGGG-3'
Protein context (NP_001071121.1, residues 323-343): VLGDESQTTP[Asn333Asp]RGSAFTTSDN